The following is an entry in ClinVar:

ClinVar aggregate classification (germline): Uncertain significance (1 of 4 stars; one submission).

Conditions:
Cardiovascular phenotype. Identifiers: MedGen CN230736.

Allele frequency attached by ClinVar (database versions not stated): gnomAD 0.00001; TOPMed 0.00001.

Submission:

Ambry Genetics
Classification: Uncertain significance for Cardiovascular phenotype. Last evaluated: 2024-12-20. Review status: criteria provided, single submitter. Criteria: Ambry Variant Classification Scheme 2023. Collection method: clinical testing. Allele origin: germline.
Comment: The p.P212L variant (also known as c.635C>T), located in coding exon 1 of the FOXE3 gene, results from a C to T substitution at nucleotide position 635. The proline at codon 212 is replaced by leucine, an amino acid with similar properties. This amino acid position is conserved. In addition, the in silico prediction for this alteration is inconclusive. Since supporting evidence is limited at this time, the clinical significance of this alteration remains unclear.

NM_012186.3(FOXE3):c.635C>T (p.Pro212Leu)

Genes: FOXE3 (forkhead box E3; plus strand), LINC01389 (long intergenic non-protein coding RNA 1389; minus strand). Cytogenetic location: 1p33.
Variant type: single nucleotide variant.
Coding change: c.635C>T on transcript NM_012186.3 (MANE Select); coding-DNA position 635, C replaced by T.
Protein change: p.Pro212Leu; replaces proline 212 with leucine.
Molecular consequence: missense variant.
Genome position (GRCh38, 1-based): chr1:47,416,950, C>T. VCF-style: chr1-47416950-C-T. GRCh37 (hg19) VCF-style: chr1-47882622-C-T.
Other names: short protein forms P212L.
Identifiers: ClinVar variation 1753042 (VCV001753042.3), dbSNP rs1646887803, ClinGen allele CA340250385.